The following is an entry in ClinVar:

ClinVar aggregate classification (germline): Conflicting classifications of pathogenicity. Review status: criteria provided, conflicting classifications (1 of 4 stars). 10 submissions from 8 submitters: Uncertain significance (8); Likely benign (1). 1 of the submissions does not count toward it. Last evaluated 2026-05-16.

Conditions:
RPGRIP1L-related disorder. Also called: RPGRIP1L-related disorders; RPGRIP1L-related condition. Identifiers: MedGen CN239416.
Joubert syndrome. Also called: Familial aplasia of the vermis; JOUBERT-BOLTSHAUSER SYNDROME. Identifiers: Orphanet 475, MedGen C5979921, MONDO:0018772.
Meckel-Gruber syndrome. Also called: DYSENCEPHALIA SPLANCHNOCYSTICA; GRUBER SYNDROME; Dysencephalia splachnocystica. Identifiers: Orphanet 564, MedGen C0265215, MONDO:0018921.
Joubert syndrome 7 (JBTS7). Identifiers: Orphanet 220497, MedGen C1969053, MONDO:0012694, OMIM 611560.
COACH syndrome 1. Identifiers: Orphanet 1454, MedGen C5435651, MONDO:0800103, OMIM 216360, MONDO:0008996.
Meckel syndrome, type 5 (MKS5). Identifiers: Orphanet 564, MedGen C1969052, MONDO:0012695, OMIM 611561.
Nephronophthisis 8. Identifiers: MedGen CN119610.

Allele frequency attached by ClinVar (database versions not stated): gnomAD exomes 0.00010 and 0.00013; ExAC 0.00015; ESP Exome Variant Server 0.00023; gnomAD 0.00057 and 0.00060; TOPMed 0.00077; 1000 Genomes Project 30x 0.00078; 1000 Genomes Project 0.00080.

Submissions (10):

PreventionGenetics, part of Exact Sciences
Classification: Uncertain significance for RPGRIP1L-related condition. Last evaluated: 2026-05-16. Review status: criteria provided, single submitter. Criteria: ACMG Guidelines, 2015. Collection method: clinical testing. Allele origin: germline.
Comment: The RPGRIP1L c.251G>A variant is predicted to result in the amino acid substitution p.Arg84Gln. This variant has been reported in three individuals with obesity (Melendez-Montañez and De Jesus-Rojas. 2024. PubMed ID: 38674329). This variant is reported in 0.062% of alleles in individuals of African descent in gnomAD, which is likely too common to be a primary cause of disease. Although we suspect that this variant may be benign, at this time, the clinical significance of this variant is uncertain due to the absence of conclusive functional and genetic evidence.

Labcorp Genetics (formerly Invitae), Labcorp
Classification: Likely benign for Joubert syndrome; Meckel-Gruber syndrome. Last evaluated: 2026-02-01. Review status: criteria provided, single submitter. Criteria: Invitae Variant Classification Sherloc (09022015). Collection method: clinical testing. Allele origin: germline.

Blueprint Genetics
Classification: Uncertain significance. Last evaluated: 2024-10-10. Review status: criteria provided, single submitter. Criteria: ACMG Guidelines, 2015. Collection method: clinical testing. Allele origin: germline.

GeneDx
Classification: Uncertain significance. Last evaluated: 2021-08-18. Review status: criteria provided, single submitter. Criteria: GeneDx Variant Classification Process June 2021. Collection method: clinical testing. Allele origin: germline. Affected: yes.
Comment: In silico analysis supports that this missense variant has a deleterious effect on protein structure/function; Has not been previously published as pathogenic or benign to our knowledge

Revvity Omics, Revvity
Classification: Uncertain significance. Last evaluated: 2020-05-05. Review status: criteria provided, single submitter. Criteria: ACMG Guidelines, 2015. Collection method: clinical testing. Allele origin: germline.

Fulgent Genetics
Classification: Uncertain significance for COACH syndrome 1; Joubert syndrome 7; Meckel syndrome, type 5. Last evaluated: 2018-10-31. Review status: criteria provided, single submitter. Criteria: ACMG Guidelines, 2015. Collection method: clinical testing. Allele origin: unknown.

Illumina Laboratory Services, Illumina
Classification: Uncertain significance for Joubert syndrome 7. Last evaluated: 2018-01-13. Review status: criteria provided, single submitter. Criteria: ICSL Variant Classification Criteria 13 December 2019. Collection method: clinical testing. Allele origin: germline.

Illumina Laboratory Services, Illumina
Classification: Uncertain significance for Nephronophthisis 8. Last evaluated: 2018-01-13. Review status: criteria provided, single submitter. Criteria: ICSL Variant Classification Criteria 13 December 2019. Collection method: clinical testing. Allele origin: germline.

Illumina Laboratory Services, Illumina
Classification: Uncertain significance for Meckel syndrome, type 5. Last evaluated: 2018-01-13. Review status: criteria provided, single submitter. Criteria: ICSL Variant Classification Criteria 13 December 2019. Collection method: clinical testing. Allele origin: germline.

Natera, Inc.
Classification: Uncertain significance for Joubert syndrome. Last evaluated: 2020-08-06. Review status: no assertion criteria provided. Collection method: clinical testing. Allele origin: germline. Not counted in ClinVar's aggregate classification.

NM_015272.5(RPGRIP1L):c.251G>A (p.Arg84Gln)

Gene: RPGRIP1L (RPGRIP1 like; minus strand). Cytogenetic location: 16q12.2.
Variant type: single nucleotide variant.
Coding change: c.251G>A on transcript NM_015272.5 (MANE Select); coding-DNA position 251, G replaced by A.
Protein change: p.Arg84Gln; replaces arginine 84 with glutamine.
Molecular consequence: missense variant.
Genome position (GRCh38, 1-based): chr16:53,692,344, C>T on the plus strand (G>A on the coding strand, the complement: RPGRIP1L is on the minus strand). VCF-style: chr16-53692344-C-T. GRCh37 (hg19) VCF-style: chr16-53726256-C-T.
Other names: c.251G>A, p.Arg84Gln (NM_001127897.4, NM_001308334.3, NM_001330538.2); c.251G>A (NM_015272.4); short protein forms R84Q.
Identifiers: ClinVar variation 319668 (VCV000319668.22), dbSNP rs151212590, ClinGen allele CA8058159.